The following is an entry in ClinVar:

NM_005085.4(NUP214):c.688C>T (p.Pro230Ser)

Gene: NUP214 (nucleoporin 214; plus strand). Cytogenetic location: 9q34.13.
Variant type: single nucleotide variant.
Coding change: c.688C>T on transcript NM_005085.4 (MANE Select); coding-DNA position 688, C replaced by T.
Protein change: p.Pro230Ser; replaces proline 230 with serine.
Molecular consequence: missense variant.
Genome position (GRCh38, 1-based): chr9:131,132,620, C>T. VCF-style: chr9-131132620-C-T. GRCh37 (hg19) VCF-style: chr9-134008007-C-T.
Other names: c.688C>T, p.Pro230Ser (NM_001318324.2); short protein forms P230S.
Identifiers: ClinVar variation 3049640 (VCV003049640.2), dbSNP rs1192976813, ClinGen allele CA375268658.

ClinVar aggregate classification (germline): Uncertain significance (0 of 4 stars; one submission).

Conditions:
NUP214-related disorder. Also called: NUP214-related disorders; NUP214-related condition.

Submission:

PreventionGenetics, part of Exact Sciences
Classification: Uncertain significance for NUP214-related condition. Last evaluated: 2023-12-17. Review status: no assertion criteria provided. Collection method: clinical testing. Allele origin: germline.
Comment: The NUP214 c.688C>T variant is predicted to result in the amino acid substitution p.Pro230Ser. To our knowledge, this variant has not been reported in the literature or in a large population database, indicating this variant is rare. At this time, the clinical significance of this variant is uncertain due to the absence of conclusive functional and genetic evidence.